The following is an entry in ClinVar:

NM_000531.6(OTC):c.636A>C (p.Gly212=)

Gene: OTC (ornithine transcarbamylase; plus strand). Cytogenetic location: Xp11.4.
Variant type: single nucleotide variant.
Coding change: c.636A>C on transcript NM_000531.6 (MANE Select); coding-DNA position 636, A replaced by C.
Protein change: p.Gly212=; no amino-acid change (glycine 212 retained).
Molecular consequence: synonymous variant.
Genome position (GRCh38, 1-based): chrX:38,403,713, A>C. VCF-style: chrX-38403713-A-C. GRCh37 (hg19) VCF-style: chrX-38262966-A-C.
Other names: c.636A>C, p.Gly212= (NM_001407092.1).
Identifiers: ClinVar variation 2014488 (VCV002014488.5), dbSNP rs2519975534, ClinGen allele CA515650709.

ClinVar aggregate classification (germline): Likely benign. Review status: criteria provided, multiple submitters, no conflicts (2 of 4 stars). 2 submissions from 2 submitters: Likely benign (2). Last evaluated 2023-09-21.

Conditions:
Ornithine carbamoyltransferase deficiency (OTCD). Also called: OTC DEFICIENCY; ORNITHINE TRANSCARBAMYLASE DEFICIENCY; ORNITHINE TRANSCARBAMYLASE DEFICIENCY, HYPERAMMONEMIA DUE TO; Ornithine Carbamoyltransferase Deficiency Disease. Identifiers: Orphanet 664, MedGen C0268542, MONDO:0010703, OMIM 311250.

Submissions (2):

Labcorp Genetics (formerly Invitae), Labcorp
Classification: Likely benign for Ornithine carbamoyltransferase deficiency. Last evaluated: 2023-09-21. Review status: criteria provided, single submitter. Criteria: Invitae Variant Classification Sherloc (09022015). Collection method: clinical testing. Allele origin: germline.

All of Us Research Program, National Institutes of Health
Classification: Likely benign for Ornithine carbamoyltransferase deficiency. Last evaluated: 2023-02-24. Review status: criteria provided, single submitter. Criteria: ACMG Guidelines, 2015. Collection method: clinical testing. Allele origin: germline. Inheritance: X-linked inheritance. Observed: 1 variant allele, 1 heterozygote.
Comment: This study involves interpretation of variants in research participants for the purpose of population health screening. Participant phenotype was not available at the time of variant classification. Additional details can be found in publication PMID: 35346344, PMCID: PMC8962531